The following is an entry in ClinVar:

NM_006231.4(POLE):c.6211C>G (p.Gln2071Glu)

Gene: POLE (DNA polymerase epsilon, catalytic subunit; minus strand). Cytogenetic location: 12q24.33.
Variant type: single nucleotide variant.
Coding change: c.6211C>G on transcript NM_006231.4 (MANE Select); coding-DNA position 6211, C replaced by G.
Protein change: p.Gln2071Glu; replaces glutamine 2071 with glutamic acid.
Molecular consequence: missense variant.
Genome position (GRCh38, 1-based): chr12:132,632,434, G>C on the plus strand (C>G on the coding strand, the complement: POLE is on the minus strand). VCF-style: chr12-132632434-G-C. GRCh37 (hg19) VCF-style: chr12-133209020-G-C.
Other names: c.6211C>G (NM_006231.2); short protein forms Q2071E.
Identifiers: ClinVar variation 857789 (VCV000857789.8), dbSNP rs775527406, ClinGen allele CA6892248.

ClinVar aggregate classification (germline): Uncertain significance. Review status: criteria provided, multiple submitters, no conflicts (2 of 4 stars). 2 submissions from 2 submitters: Uncertain significance (2). Last evaluated 2025-08-30.

Conditions:
Hereditary cancer-predisposing syndrome. Also called: Tumor predisposition; Hereditary neoplastic syndrome; Neoplastic Syndromes, Hereditary; Hereditary Cancer Syndrome. Identifiers: Orphanet 140162, MedGen C0027672, MeSH D009386, MONDO:0015356.

Allele frequency attached by ClinVar (database versions not stated): gnomAD exomes below 0.00001; ExAC 0.00001.
gnomAD v4.1: 3 of 1,613,904 alleles (0.00019%); highest among the groups gnomAD compares: Non-Finnish European, 0.00025%; no homozygotes.

Submissions (2):

Labcorp Genetics (formerly Invitae), Labcorp
Classification: Uncertain significance. Last evaluated: 2025-08-30. Review status: criteria provided, single submitter. Criteria: Invitae Variant Classification Sherloc (09022015). Collection method: clinical testing. Allele origin: germline.
Comment: This sequence change replaces glutamine, which is neutral and polar, with glutamic acid, which is acidic and polar, at codon 2071 of the POLE protein (p.Gln2071Glu). This variant is present in population databases (rs775527406, gnomAD 0.0009%). This variant has not been reported in the literature in individuals affected with POLE-related conditions. ClinVar contains an entry for this variant (Variation ID: 857789). Invitae Evidence Modeling of protein sequence and biophysical properties (such as structural, functional, and spatial information, amino acid conservation, physicochemical variation, residue mobility, and thermodynamic stability) indicates that this missense variant is not expected to disrupt POLE protein function with a negative predictive value of 80%. In summary, the available evidence is currently insufficient to determine the role of this variant in disease. Therefore, it has been classified as a Variant of Uncertain Significance.

Ambry Genetics
Classification: Uncertain significance for Hereditary cancer-predisposing syndrome. Last evaluated: 2023-12-04. Review status: criteria provided, single submitter. Criteria: Ambry Variant Classification Scheme 2023. Collection method: clinical testing. Allele origin: germline.
Comment: The p.Q2071E variant (also known as c.6211C>G), located in coding exon 45 of the POLE gene, results from a C to G substitution at nucleotide position 6211. The glutamine at codon 2071 is replaced by glutamic acid, an amino acid with highly similar properties. This amino acid position is conserved. In addition, this alteration is predicted to be tolerated by in silico analysis. Since supporting evidence is limited at this time, the clinical significance of this alteration remains unclear.